The following is an entry in ClinVar:

ClinVar aggregate classification (germline): Uncertain significance (1 of 4 stars; one submission).

Conditions:
Immunoskeletal dysplasia with neurodevelopmental abnormalities (ISDNA). Identifiers: MedGen C4479452, MONDO:0044312, OMIM 617425.

gnomAD v4.1: 30 of 1,614,216 alleles (0.0019%); highest among the groups gnomAD compares: East Asian, 0.045%; no homozygotes.

Submission:

Juno Genomics, Hangzhou Juno Genomics, Inc
Classification: Uncertain significance for Immunoskeletal dysplasia with neurodevelopmental abnormalities. Review status: criteria provided, single submitter. Criteria: ACMG Guidelines, 2015. Collection method: clinical testing. Allele origin: germline.
Comment: Absent from controls (or at extremely low frequency if recessive) in Genome Aggregation Database.;Multiple lines of computational evidence support a deleterious effect on the gene or gene product.

NM_001440.4(EXTL3):c.584C>T (p.Pro195Leu)

Gene: EXTL3 (exostosin like glycosyltransferase 3; plus strand). Cytogenetic location: 8p21.1.
Variant type: single nucleotide variant.
Coding change: c.584C>T on transcript NM_001440.4 (MANE Select); coding-DNA position 584, C replaced by T.
Protein change: p.Pro195Leu; replaces proline 195 with leucine.
Molecular consequence: missense variant.
Genome position (GRCh38, 1-based): chr8:28,716,643, C>T. VCF-style: chr8-28716643-C-T. GRCh37 (hg19) VCF-style: chr8-28574160-C-T.
Other names: c.584C>T, p.Pro195Leu (NM_001437797.1, NM_001438399.1, NM_001438400.1 and 4 more transcripts); short protein forms P195L.
Identifiers: ClinVar variation 5007298 (VCV005007298.2).